The following is an entry in ClinVar:

NM_001282534.2(KCNK9):c.25C>G (p.Leu9Val)

Genes: KCNK9 (potassium two pore domain channel subfamily K member 9; minus strand), LOC124188239 (Sharpr-MPRA regulatory region 3867; plus strand). Cytogenetic location: 8q24.3.
Variant type: single nucleotide variant.
Coding change: c.25C>G on transcript NM_001282534.2 (MANE Select); coding-DNA position 25, C replaced by G.
Protein change: p.Leu9Val; replaces leucine 9 with valine.
Molecular consequence: missense variant. On other transcripts: non-coding transcript variant (1).
Genome position (GRCh38, 1-based): chr8:139,702,968, G>C on the plus strand (C>G on the coding strand, the complement: KCNK9 is on the minus strand). VCF-style: chr8-139702968-G-C. GRCh37 (hg19) VCF-style: chr8-140715211-G-C.
Other names: short protein forms L9V.
Identifiers: ClinVar variation 452563 (VCV000452563.6), dbSNP rs1166889219, ClinGen allele CA372732219.
Genomic context (GRCh38, chr8:139,702,968, plus strand): 5'-GGGCGTCGAACACGGCGGCGCCCACCAGCAGGTAGGTGAAGGTGCAGACGATGAGGGACA[G>C]AGTCCGCACGTTCTGCCTCTTCATGGCCGCCAGCAAGGAGCCGGCGCGGGGGGCATGTCC-3'
Protein context (NP_001269463.1, residues 1-19): MKRQNVRT[Leu9Val]SLIVCTFTYL

ClinVar aggregate classification (germline): Conflicting classifications of pathogenicity. Review status: criteria provided, conflicting classifications (1 of 4 stars). 3 submissions from 3 submitters: Uncertain significance (2); Likely benign (1). Last evaluated 2023-03-03.

Conditions:
Birk-Barel syndrome. Also called: MENTAL RETARDATION WITH HYPOTONIA AND FACIAL DYSMORPHISM; KCNK9 Imprinting Syndrome. Identifiers: Orphanet 166108, MedGen C2676770, MONDO:0012856, OMIM 612292.

Allele frequency attached by ClinVar (database versions not stated): gnomAD exomes 0.00001; TOPMed 0.00001.
gnomAD v4.1: 10 of 1,598,270 alleles (0.00063%); highest among the groups gnomAD compares: Non-Finnish European, 0.00077%; no homozygotes.

Submissions (3):

Laboratorio de Genetica e Diagnostico Molecular, Hospital Israelita Albert Einstein
Classification: Uncertain significance for Birk-Barel syndrome. Last evaluated: 2023-03-03. Review status: criteria provided, single submitter. Criteria: ACMG Guidelines, 2015. Collection method: clinical testing. Allele origin: germline. Affected: yes.
Comment: ACMG classification criteria: PM2 moderate, BP4 supporting

Mendelics
Classification: Uncertain significance for Birk-Barel syndrome. Last evaluated: 2019-05-28. Review status: criteria provided, single submitter. Criteria: Mendelics Assertion Criteria 2017. Collection method: clinical testing. Allele origin: unknown.

GeneDx
Classification: Likely benign. Last evaluated: 2018-11-14. Review status: criteria provided, single submitter. Criteria: GeneDx Variant Classification Process June 2021. Collection method: clinical testing. Allele origin: germline. Affected: yes.